The following is an entry in ClinVar:

ClinVar aggregate classification (germline): Likely pathogenic (1 of 4 stars; one submission).

Conditions:
Amyotrophic lateral sclerosis, susceptibility to, 24. Identifiers: MedGen C4693523, MONDO:0054750, OMIM 617892.

Submission:

Human Genetics Bochum, Ruhr University Bochum
Classification: Likely pathogenic for Amyotrophic lateral sclerosis, susceptibility to, 24. Last evaluated: 2023-08-09. Review status: criteria provided, single submitter. Criteria: ACMG Guidelines, 2015. Collection method: clinical testing. Allele origin: germline. Affected: yes.
Comment: ACMG criteria used to clasify this variant:PVS1, PM2_SUP

NM_001199397.3(NEK1):c.1324C>T (p.Gln442Ter)

Gene: NEK1 (NIMA related kinase 1; minus strand). Cytogenetic location: 4q33.
Variant type: single nucleotide variant.
Coding change: c.1324C>T on transcript NM_001199397.3 (MANE Select); coding-DNA position 1324, C replaced by T.
Protein change: p.Gln442Ter; replaces glutamine 442 with a stop codon.
Molecular consequence: nonsense. On other transcripts: non-coding transcript variant (1).
Genome position (GRCh38, 1-based): chr4:169,556,038, G>A on the plus strand (C>T on the coding strand, the complement: NEK1 is on the minus strand). VCF-style: chr4-169556038-G-A. GRCh37 (hg19) VCF-style: chr4-170477189-G-A.
Other names: c.1324C>T, p.Gln442Ter (NM_001199398.3, NM_001199400.3, NM_001374418.1 and 2 more transcripts); c.1249C>T, p.Gln417Ter (NM_001199399.3); c.1273C>T, p.Gln425Ter (NM_001374420.1); c.1198C>T, p.Gln400Ter (NM_001374421.1); short protein forms Q400*, Q417*, Q425*, Q442*.
Identifiers: ClinVar variation 2583154 (VCV002583154.1), dbSNP rs2546764617, ClinGen allele CA358734082.